The following is an entry in ClinVar:

NM_000059.4(BRCA2):c.4334A>C (p.Lys1445Thr)

Gene: BRCA2 (BRCA2 DNA repair associated; plus strand). Cytogenetic location: 13q13.1.
Variant type: single nucleotide variant.
Coding change: c.4334A>C on transcript NM_000059.4 (MANE Select); coding-DNA position 4334, A replaced by C.
Protein change: p.Lys1445Thr; replaces lysine 1445 with threonine.
Molecular consequence: missense variant.
Genome position (GRCh38, 1-based): chr13:32,338,689, A>C. VCF-style: chr13-32338689-A-C. GRCh37 (hg19) VCF-style: chr13-32912826-A-C.
Other names: short protein forms K1445T.
Identifiers: ClinVar variation 567862 (VCV000567862.12), dbSNP rs1566230096, ClinGen allele CA387780866.

ClinVar aggregate classification (germline): Conflicting classifications of pathogenicity. Review status: criteria provided, conflicting classifications (1 of 4 stars). 3 submissions from 3 submitters: Uncertain significance (2); Likely benign (1). Last evaluated 2023-12-08.

Conditions:
Hereditary cancer-predisposing syndrome. Also called: Neoplastic Syndromes, Hereditary; Tumor predisposition; Hereditary neoplastic syndrome; Hereditary Cancer Syndrome. Identifiers: Orphanet 140162, MedGen C0027672, MeSH D009386, MONDO:0015356.
Hereditary breast ovarian cancer syndrome. Also called: Hereditary breast and ovarian cancer syndrome (HBOC); Hereditary breast and ovarian cancer; Hereditary breast and/or ovarian cancer syndrome; Hereditary breast and ovarian cancer syndrome; Breast and ovarian cancer; BRCA1- and BRCA2-Associated Hereditary Breast and Ovarian Cancer. Identifiers: Orphanet 145, MedGen C0677776, MeSH D061325, MONDO:0003582. Disease mechanism: loss of function.

Allele frequency attached by ClinVar (database versions not stated): gnomAD below 0.00001 and 0.00001.
gnomAD v4.1: 1 of 1,591,834 alleles (0.000063%); highest among the groups gnomAD compares: South Asian, 0.0011%; no homozygotes.

Submissions (3):

Labcorp Genetics (formerly Invitae), Labcorp
Classification: Uncertain significance for Hereditary breast ovarian cancer syndrome. Last evaluated: 2023-12-08. Review status: criteria provided, single submitter. Criteria: Invitae Variant Classification Sherloc (09022015). Collection method: clinical testing. Allele origin: germline.
Comment: This sequence change replaces lysine, which is basic and polar, with threonine, which is neutral and polar, at codon 1445 of the BRCA2 protein (p.Lys1445Thr). This variant is not present in population databases (gnomAD no frequency). This missense change has been observed in individual(s) with clinical features of BRCA2-related conditions (PMID: 15365993, 32438681). ClinVar contains an entry for this variant (Variation ID: 567862). Advanced modeling of protein sequence and biophysical properties (such as structural, functional, and spatial information, amino acid conservation, physicochemical variation, residue mobility, and thermodynamic stability) performed at Invitae indicates that this missense variant is not expected to disrupt BRCA2 protein function with a negative predictive value of 95%. In summary, the available evidence is currently insufficient to determine the role of this variant in disease. Therefore, it has been classified as a Variant of Uncertain Significance.

University of Washington Department of Laboratory Medicine, University of Washington
Classification: Likely benign for Hereditary cancer-predisposing syndrome. Last evaluated: 2023-03-23. Review status: criteria provided, single submitter. Criteria: Dines et al. (Genet Med. 2020). Collection method: curation. Allele origin: germline.
Comment: Missense variant in a coldspot region where missense variants are very unlikely to be pathogenic (PMID:31911673).

BRCA2 exon 11 coldspot. Reclassification based on statistical prior probability.

Ambry Genetics
Classification: Uncertain significance for Hereditary cancer-predisposing syndrome. Last evaluated: 2021-06-15. Review status: criteria provided, single submitter. Criteria: Ambry Variant Classification Scheme 2023. Collection method: clinical testing. Allele origin: germline.
Comment: The p.K1445T variant (also known as c.4334A>C), located in coding exon 10 of the BRCA2 gene, results from an A to C substitution at nucleotide position 4334. The lysine at codon 1445 is replaced by threonine, an amino acid with similar properties. This alteration was identified in multiple individuals diagnosed with breast and/or ovarian cancer (Seo JH et al. Hum Mutat, 2004 Oct;24:350; Santonocito C et al. Cancers (Basel), 2020 May;12:). This amino acid position is well conserved in available vertebrate species. In addition, the in silico prediction for this alteration is inconclusive. Since supporting evidence is limited at this time, the clinical significance of this alteration remains unclear.

Literature cited by the submitters: PubMed 15365993 (cited by Labcorp Genetics (formerly Invitae), Labcorp and Ambry Genetics); PubMed 32438681 (cited by Labcorp Genetics (formerly Invitae), Labcorp and Ambry Genetics).